The following is an entry in ClinVar:

ClinVar aggregate classification (germline): Uncertain significance (1 of 4 stars; one submission).

Conditions:
Idiopathic generalized epilepsy. Also called: EIG; Generalised epilepsy. Identifiers: MedGen C0270850, MONDO:0005579, OMIM 600669.

Submission:

Labcorp Genetics (formerly Invitae), Labcorp
Classification: Uncertain significance for Idiopathic generalized epilepsy. Last evaluated: 2019-05-10. Review status: criteria provided, single submitter. Criteria: Invitae Variant Classification Sherloc (09022015). Collection method: clinical testing. Allele origin: germline.
Comment: This sequence change replaces proline with glutamine at codon 313 of the RBFOX1 protein (p.Pro313Gln). The proline residue is moderately conserved and there is a moderate physicochemical difference between proline and glutamine. This variant is not present in population databases (ExAC no frequency). This variant has not been reported in the literature in individuals with RBFOX1-related conditions. Algorithms developed to predict the effect of missense changes on protein structure and function are either unavailable or do not agree on the potential impact of this missense change (SIFT: "Deleterious"; PolyPhen-2: "Benign"; Align-GVGD: "Class C0"). Algorithms developed to predict the effect of sequence changes on RNA splicing suggest that this variant may create or strengthen a splice site, but this prediction has not been confirmed by published transcriptional studies. In summary, the available evidence is currently insufficient to determine the role of this variant in disease. Therefore, it has been classified as a Variant of Uncertain Significance.

NM_018723.4(RBFOX1):c.878C>A (p.Pro293Gln)

Gene: RBFOX1 (RNA binding fox-1 homolog 1; plus strand). Cytogenetic location: 16p13.3.
Variant type: single nucleotide variant.
Coding change: c.878C>A on transcript NM_018723.4 (MANE Select); coding-DNA position 878, C replaced by A.
Protein change: p.Pro293Gln; replaces proline 293 with glutamine.
Molecular consequence: missense variant.
Genome position (GRCh38, 1-based): chr16:7,653,935, C>A. VCF-style: chr16-7653935-C-A. GRCh37 (hg19) VCF-style: chr16-7703937-C-A.
Other names: c.797C>A, p.Pro266Gln (NM_001142333.2); c.878C>A, p.Pro293Gln (NM_001142334.2, NM_001364800.2); c.1007C>A, p.Pro336Gln (NM_001308117.1); c.938C>A, p.Pro313Gln (NM_145891.3, NM_145892.3, NM_145893.3); short protein forms P293Q, P313Q, P336Q, P266Q.
Identifiers: ClinVar variation 944522 (VCV000944522.10), dbSNP rs1157311700, ClinGen allele CA394683726.